The following is an entry in ClinVar:

NM_004385.5(VCAN):c.3406C>T (p.Pro1136Ser)

Gene: VCAN (versican; plus strand). Cytogenetic location: 5q14.3.
Variant type: single nucleotide variant.
Coding change: c.3406C>T on transcript NM_004385.5 (MANE Select); coding-DNA position 3406, C replaced by T.
Protein change: p.Pro1136Ser; replaces proline 1136 with serine.
Molecular consequence: missense variant. On other transcripts: intron variant (2).
Genome position (GRCh38, 1-based): chr5:83,521,712, C>T. VCF-style: chr5-83521712-C-T. GRCh37 (hg19) VCF-style: chr5-82817531-C-T.
Other names: c.3406C>T, p.Pro1136Ser (NM_001164098.2); c.1042+9316C>T (NM_001164097.2, NM_001126336.3); short protein forms P1136S.
Identifiers: ClinVar variation 937825 (VCV000937825.8), dbSNP rs1746109314, ClinGen allele CA360305986.

ClinVar aggregate classification (germline): Uncertain significance (1 of 4 stars; one submission).

Allele frequency attached by ClinVar (database versions not stated): gnomAD exomes below 0.00001.
gnomAD v4.1: 2 of 1,613,946 alleles (0.00012%); highest among the groups gnomAD compares: Non-Finnish European, 0.00017%; no homozygotes.

Submission:

Labcorp Genetics (formerly Invitae), Labcorp
Classification: Uncertain significance. Last evaluated: 2024-05-29. Review status: criteria provided, single submitter. Criteria: Invitae Variant Classification Sherloc (09022015). Collection method: clinical testing. Allele origin: germline.
Comment: This sequence change replaces proline, which is neutral and non-polar, with serine, which is neutral and polar, at codon 1136 of the VCAN protein (p.Pro1136Ser). This variant is not present in population databases (gnomAD no frequency). This variant has not been reported in the literature in individuals affected with VCAN-related conditions. ClinVar contains an entry for this variant (Variation ID: 937825). Algorithms developed to predict the effect of missense changes on protein structure and function output the following: SIFT: "Not Available"; PolyPhen-2: "Benign"; Align-GVGD: "Not Available". The serine amino acid residue is found in multiple mammalian species, which suggests that this missense change does not adversely affect protein function. In summary, the available evidence is currently insufficient to determine the role of this variant in disease. Therefore, it has been classified as a Variant of Uncertain Significance.